The following is an entry in ClinVar:

NM_000094.4(COL7A1):c.3611C>T (p.Ala1204Val)

Gene: COL7A1 (collagen type VII alpha 1 chain; minus strand). Cytogenetic location: 3p21.31.
Variant type: single nucleotide variant.
Coding change: c.3611C>T on transcript NM_000094.4 (MANE Select); coding-DNA position 3611, C replaced by T.
Protein change: p.Ala1204Val; replaces alanine 1204 with valine.
Molecular consequence: missense variant.
Genome position (GRCh38, 1-based): chr3:48,586,186, G>A on the plus strand (C>T on the coding strand, the complement: COL7A1 is on the minus strand). VCF-style: chr3-48586186-G-A. GRCh37 (hg19) VCF-style: chr3-48623619-G-A.
Other names: c.3611C>T (NM_000094.3); short protein forms A1204V.
Identifiers: ClinVar variation 989749 (VCV000989749.34), dbSNP rs144825552, ClinGen allele CA2380465.

ClinVar aggregate classification (germline): Conflicting classifications of pathogenicity. Review status: criteria provided, conflicting classifications (1 of 4 stars). 6 submissions from 6 submitters: Uncertain significance (1); Likely benign (3). 2 of the submissions do not count toward it. Last evaluated 2025-11-25.

Conditions:
Inborn genetic diseases. Identifiers: MedGen C0950123, MeSH D030342.
Epidermolysis bullosa dystrophica inversa, autosomal recessive. Identifiers: MedGen C2673612.
COL7A1-related disorder. Also called: COL7A1-related condition; COL7A1- related disorders.

Allele frequency attached by ClinVar (database versions not stated): gnomAD exomes 0.00004 and 0.00012; ExAC 0.00012; 1000 Genomes Project 30x 0.00016; 1000 Genomes Project 0.00020; ESP Exome Variant Server 0.00031; TOPMed 0.00038; gnomAD 0.00040 and 0.00044.
gnomAD v4.1: 123 of 1,613,370 alleles (0.0076%); highest among the groups gnomAD compares: African/African-American, 0.12%; 1 homozygote.

Submissions (6):

Labcorp Genetics (formerly Invitae), Labcorp
Classification: Likely benign. Last evaluated: 2025-11-25. Review status: criteria provided, single submitter. Criteria: Invitae Variant Classification Sherloc (09022015). Collection method: clinical testing. Allele origin: germline.

GeneDx
Classification: Uncertain significance. Last evaluated: 2023-10-19. Review status: criteria provided, single submitter. Criteria: GeneDx Variant Classification Process June 2021. Collection method: clinical testing. Allele origin: germline. Affected: yes.
Comment: In silico analysis supports that this missense variant does not alter protein structure/function; Has not been previously published as pathogenic or benign to our knowledge

CeGaT Center for Human Genetics Tuebingen
Classification: Likely benign. Last evaluated: 2022-05-01. Review status: criteria provided, single submitter. Criteria: CeGaT Center For Human Genetics Tuebingen Variant Classification Criteria Version 2. Collection method: clinical testing. Allele origin: germline. Affected: yes. Observed: 1 variant allele.
Comment: COL7A1: BP4

Ambry Genetics
Classification: Likely benign for Inborn genetic diseases. Last evaluated: 2021-12-14. Review status: criteria provided, single submitter. Criteria: Ambry Variant Classification Scheme 2023. Collection method: clinical testing. Allele origin: germline.

PreventionGenetics, part of Exact Sciences
Classification: Likely benign for COL7A1-related condition. Last evaluated: 2024-01-16. Review status: no assertion criteria provided. Collection method: clinical testing. Allele origin: germline. Not counted in ClinVar's aggregate classification.
Comment: This variant is classified as likely benign based on ACMG/AMP sequence variant interpretation guidelines (Richards et al. 2015 PMID: 25741868, with internal and published modifications).

Natera, Inc.
Classification: Benign for Autosomal recessive epidermolysis bullosa dystrophica inversa. Last evaluated: 2020-07-08. Review status: no assertion criteria provided. Collection method: clinical testing. Allele origin: germline. Not counted in ClinVar's aggregate classification.